The following is an entry in ClinVar:

ClinVar aggregate classification (germline): Uncertain significance (1 of 4 stars; one submission).

Conditions:
Hereditary cancer-predisposing syndrome. Also called: Neoplastic Syndromes, Hereditary; Hereditary Cancer Syndrome; Tumor predisposition; Hereditary neoplastic syndrome. Identifiers: Orphanet 140162, MedGen C0027672, MeSH D009386, MONDO:0015356.

Submission:

Ambry Genetics
Classification: Uncertain significance for Hereditary cancer-predisposing syndrome. Last evaluated: 2025-01-23. Review status: criteria provided, single submitter. Criteria: Ambry Variant Classification Scheme 2023. Collection method: clinical testing. Allele origin: germline.
Comment: The p.V1863D variant (also known as c.5588T>A), located in coding exon 41 of the POLE gene, results from a T to A substitution at nucleotide position 5588. The valine at codon 1863 is replaced by aspartic acid, an amino acid with highly dissimilar properties. This amino acid position is conserved. In addition, this alteration is predicted to be deleterious by in silico analysis. Based on the available evidence, the clinical significance of this variant remains unclear.

NM_006231.4(POLE):c.5588T>A (p.Val1863Asp)

Gene: POLE (DNA polymerase epsilon, catalytic subunit; minus strand). Cytogenetic location: 12q24.33.
Variant type: single nucleotide variant.
Coding change: c.5588T>A on transcript NM_006231.4 (MANE Select); coding-DNA position 5588, T replaced by A.
Protein change: p.Val1863Asp; replaces valine 1863 with aspartic acid.
Molecular consequence: missense variant.
Genome position (GRCh38, 1-based): chr12:132,638,104, A>T on the plus strand (T>A on the coding strand, the complement: POLE is on the minus strand). VCF-style: chr12-132638104-A-T. GRCh37 (hg19) VCF-style: chr12-133214690-A-T.
Other names: short protein forms V1863D.
Identifiers: ClinVar variation 3781570 (VCV003781570.1).